The following is an entry in ClinVar:

NM_001371623.1(TCOF1):c.3047-1G>A

Gene: TCOF1 (treacle ribosome biogenesis factor 1; plus strand). Cytogenetic location: 5q32.
Variant type: single nucleotide variant.
Coding change: c.3047-1G>A on transcript NM_001371623.1 (MANE Select); the canonical splice acceptor site of the intron before coding-DNA position 3047, G replaced by A.
Molecular consequence: splice acceptor variant.
Genome position (GRCh38, 1-based): chr5:150,389,886, G>A. VCF-style: chr5-150389886-G-A. GRCh37 (hg19) VCF-style: chr5-149769449-G-A.
Other names: c.3047-1G>A (NM_001135243.2, NM_001135244.2, NM_001195141.2); c.2816-1G>A (NM_001135245.2, NM_000356.4).
Identifiers: ClinVar variation 1686255 (VCV001686255.2), dbSNP rs2151009927, ClinGen allele CA361732515.

ClinVar aggregate classification (germline): Pathogenic. Review status: criteria provided, multiple submitters, no conflicts (2 of 4 stars). 2 submissions from 2 submitters: Pathogenic (2). Last evaluated 2022-09-02.

Conditions:
Treacher Collins syndrome 1 (TCS1). Also called: TCOF1-Related Treacher Collins Syndrome. Identifiers: Orphanet 861, MedGen CN315775, MONDO:0007944, OMIM 154500.

Submissions (2):

Victorian Clinical Genetics Services, Murdoch Childrens Research Institute
Classification: Pathogenic for Treacher Collins syndrome 1. Last evaluated: 2022-09-02. Review status: criteria provided, single submitter. Criteria: ACMG Guidelines, 2015. Collection method: clinical testing. Allele origin: germline. Inheritance: Autosomal dominant inheritance. Affected: yes.
Comment: Based on the classification scheme VCGS_Germline_v1.3.4, this variant is classified as Pathogenic. Following criteria are met: 0102 - Loss of function is a known mechanism of disease in this gene and is associated with Treacher Collins syndrome 1 (MIM#154500). (I) 0107 - This gene is associated with autosomal dominant disease. (I) 0112 - The condition associated with this gene has incomplete penetrance. While penetrance for Treacher Collins syndrome 1 (MIM#154500) is high, reduced penetrance has been reported for the TCOF1 gene (GeneReviews). (I) 0115 - Variants in this gene are known to have variable expressivity. Significant interfamilial and intrafamilial variability have been reported (GeneReviews). (I) 0211 - Canonical splice site variant without proven consequence on splicing (no functional evidence available). (SP) 0251 - This variant is heterozygous. (I) 0301 - Variant is absent from gnomAD (both v2 and v3). (SP) 0505 - Abnormal splicing is predicted by in silico tools and affected nucleotide is highly conserved. (SP) 0703 - Two other canonical splice site variants comparable to the one identified in this case have moderate previous evidence for pathogenicity. Two alternative changes in the same splice region, c.3047-2A>T and c.3047-2A>G, have been reported in individuals with Treacher Collins syndrome (PMID: 22317976, 31307516). (SP) 0803 - This variant has limited previous evidence of pathogenicity in an individual with Treacher Collins syndrome (PMID: 22317976). (SP) 0905 - No published segregation evidence has been identified for this variant. (I) 1007 - No published functional evidence has been identified for this variant. (I) 1101 - Very strong and specific phenotype match for this individual. (SP) Legend: (SP) - Supporting pathogenic, (I) - Information, (SB) - Supporting benign

Mendelics
Classification: Pathogenic for Treacher Collins syndrome 1. Last evaluated: 2022-05-04. Review status: criteria provided, single submitter. Criteria: Mendelics Assertion Criteria 2019. Collection method: clinical testing. Allele origin: germline.

Literature cited by the submitters: PubMed 22317976 (cited by Victorian Clinical Genetics Services, Murdoch Childrens Research Institute); PubMed 31307516 (cited by Victorian Clinical Genetics Services, Murdoch Childrens Research Institute).